The following is an entry in ClinVar:

ClinVar aggregate classification (germline): Uncertain significance (1 of 4 stars; one submission).

Conditions:
Mucopolysaccharidosis, MPS-III-B (MPS3B). Also called: N-ACETYL-ALPHA-D-GLUCOSAMINIDASE DEFICIENCY; NAGLU DEFICIENCY; SANFILIPPO SYNDROME B; MPS III B; MPS IIIB (Sanfilippo Syndrome Type B); MUCOPOLYSACCHARIDOSIS, TYPE IIIB. Identifiers: Orphanet 79270, MedGen C0086648, MONDO:0009656, OMIM 252920.
Charcot-Marie-Tooth disease axonal type 2V. Also called: CHARCOT-MARIE-TOOTH NEUROPATHY, TYPE 2V; CHARCOT-MARIE-TOOTH DISEASE, AXONAL, AUTOSOMAL DOMINANT, TYPE 2V. Identifiers: Orphanet 447964, MedGen C5569050, MONDO:0014665, OMIM 616491.

gnomAD v4.1: 8 of 1,614,248 alleles (0.0005%); highest among the groups gnomAD compares: Non-Finnish European, 0.00068%; no homozygotes.

Submission:

Labcorp Genetics (formerly Invitae), Labcorp
Classification: Uncertain significance for Charcot-Marie-Tooth disease axonal type 2V; Mucopolysaccharidosis, MPS-III-B. Last evaluated: 2021-11-23. Review status: criteria provided, single submitter. Criteria: Invitae Variant Classification Sherloc (09022015). Collection method: clinical testing. Allele origin: germline.
Comment: This sequence change replaces arginine, which is basic and polar, with leucine, which is neutral and non-polar, at codon 152 of the NAGLU protein (p.Arg152Leu). This variant is present in population databases (no rsID available, gnomAD 0.0009%). This variant has not been reported in the literature in individuals affected with NAGLU-related conditions. Advanced modeling of protein sequence and biophysical properties (such as structural, functional, and spatial information, amino acid conservation, physicochemical variation, residue mobility, and thermodynamic stability) performed at Invitae indicates that this missense variant is not expected to disrupt NAGLU protein function. In summary, the available evidence is currently insufficient to determine the role of this variant in disease. Therefore, it has been classified as a Variant of Uncertain Significance.

NM_000263.4(NAGLU):c.455G>T (p.Arg152Leu)

Gene: NAGLU (N-acetyl-alpha-glucosaminidase; plus strand). Cytogenetic location: 17q21.2.
Variant type: single nucleotide variant.
Coding change: c.455G>T on transcript NM_000263.4 (MANE Select); coding-DNA position 455, G replaced by T.
Protein change: p.Arg152Leu; replaces arginine 152 with leucine.
Molecular consequence: missense variant.
Genome position (GRCh38, 1-based): chr17:42,537,469, G>T. VCF-style: chr17-42537469-G-T. GRCh37 (hg19) VCF-style: chr17-40689487-G-T.
Other names: short protein forms R152L.
Identifiers: ClinVar variation 1466721 (VCV001466721.3), dbSNP rs141018386, ClinGen allele CA399598145.